The following is an entry in ClinVar:

NM_004186.5(SEMA3F):c.1349G>A (p.Arg450Gln)

Gene: SEMA3F (semaphorin 3F; plus strand). Cytogenetic location: 3p21.31.
Variant type: single nucleotide variant.
Coding change: c.1349G>A on transcript NM_004186.5 (MANE Select); coding-DNA position 1349, G replaced by A.
Protein change: p.Arg450Gln; replaces arginine 450 with glutamine.
Molecular consequence: missense variant.
Genome position (GRCh38, 1-based): chr3:50,184,707, G>A. VCF-style: chr3-50184707-G-A. GRCh37 (hg19) VCF-style: chr3-50222140-G-A.
Other names: c.1052G>A, p.Arg351Gln (NM_001318798.2); c.1256G>A, p.Arg419Gln (NM_001318800.2); c.1349G>A (NM_004186.4); short protein forms R351Q, R450Q, R419Q.
Identifiers: ClinVar variation 2258777 (VCV002258777.4), dbSNP rs772280883, ClinGen allele CA2412084.
Genomic context (GRCh38, chr3:50,184,707, plus strand): 5'-AGGTGATCAACTTCATGCGCAGCCACCCACTCATGTACCAGGCCGTGTACCCTCTGCAGC[G>A]GCGGCCCCTGGTAGTCCGCACAGGTGCTCCCTACCGCCTTACCACTATTGCCGTGGACCA-3'
Protein context (NP_004177.3, residues 440-460): LMYQAVYPLQ[Arg450Gln]RPLVVRTGAP

ClinVar aggregate classification (germline): Uncertain significance. Review status: criteria provided, single submitter (1 of 4 stars). 2 submissions from 2 submitters: Uncertain significance (1). 1 of the submissions does not count toward it. Last evaluated 2021-10-26.

Conditions:
SEMA3F-related disorder. Also called: SEMA3F-related condition.

Allele frequency attached by ClinVar (database versions not stated): gnomAD 0.00001; TOPMed 0.00002; ExAC 0.00003.
gnomAD v4.1: 42 of 1,613,996 alleles (0.0026%); highest among the groups gnomAD compares: South Asian, 0.038%; no homozygotes.

Submissions (2):

Ambry Genetics
Classification: Uncertain significance. Last evaluated: 2021-10-26. Review status: criteria provided, single submitter. Criteria: Ambry Variant Classification Scheme 2023. Collection method: clinical testing. Allele origin: germline.

PreventionGenetics, part of Exact Sciences
Classification: Uncertain significance for SEMA3F-related condition. Last evaluated: 2024-02-22. Review status: no assertion criteria provided. Collection method: clinical testing. Allele origin: germline. Not counted in ClinVar's aggregate classification.
Comment: The SEMA3F c.1349G>A variant is predicted to result in the amino acid substitution p.Arg450Gln. To our knowledge, this variant has not been reported in the literature. This variant is reported in 0.026% of alleles in individuals of South Asian descent in gnomAD. At this time, the clinical significance of this variant is uncertain due to the absence of conclusive functional and genetic evidence.